The following is an entry in ClinVar:

NM_000528.4(MAN2B1):c.393_396del (p.Thr132fs)

Gene: MAN2B1 (mannosidase alpha class 2B member 1; minus strand). Cytogenetic location: 19p13.13.
Variant type: Deletion.
Coding change: c.393_396del on transcript NM_000528.4 (MANE Select); coding-DNA positions 393 to 396, 4 bases deleted (GACA; older notation c.393_396delGACA).
Protein change: p.Thr132fs; shifts the reading frame from threonine 132.
Molecular consequence: frameshift variant.
Genome position (GRCh38, 1-based): chr19:12,665,392-12,665,395, TGTC deleted on the plus strand (GACA on the coding strand, the reverse complement: MAN2B1 is on the minus strand); deleting any 4 consecutive bases within chr19:12,665,392-12,665,397 gives the same sequence; the c. name uses the placement nearest the transcript's 3' end. VCF-style (leftmost placement, unchanged base first): chr19-12665391-TTGTC-T. GRCh37 (hg19) VCF-style: chr19-12776205-TTGTC-T.
Other names: c.393_396del, p.Thr132fs (NM_001173498.2, NM_001440570.1); short protein forms T132fs.
Identifiers: ClinVar variation 5013741 (VCV005013741.1).
Genomic context (GRCh38, chr19:12,665,391, plus strand): 5'-ACTTCCTTGGGGTAGGCTCACCCTGGCGCACAAGGTCTCGCACGACTTCCTGTGTGGCAT[TTGTC>T]TGCTGGTGCCACCAACGGGAGAAGAAGGCAATCTCCACGTAAATGAAGCGACGGGTGGGA-3'

ClinVar aggregate classification (germline): Pathogenic (1 of 4 stars; one submission).

Conditions:
Deficiency of alpha-mannosidase (MANSA). Also called: LYSOSOMAL ALPHA-D-MANNOSIDASE DEFICIENCY; Alpha-Mannosidosis; Mannosidosis, alpha-, types I and II. Identifiers: Orphanet 61, MedGen C0024748, MONDO:0009561, OMIM 248500.

Submission:

Myriad Genetics, Inc.
Classification: Pathogenic for Deficiency of alpha-mannosidase. Last evaluated: 2024-11-12. Review status: criteria provided, single submitter. Criteria: Myriad Autosomal Dominant, Autosomal Recessive and X-Linked Classification Criteria (2023). Collection method: clinical testing. Allele origin: unknown.
Comment: NM_000528.3(MAN2B1):c.393_396delGACA(T132Mfs*24) is expected to be pathogenic in the context of alpha-mannosidosis. This variant is predicted to lead to an abnormal or absent protein product due to the creation of a premature termination codon in MAN2B1, a gene where loss-of-function variants are known to be pathogenic. Please note: this variant was assessed in the context of healthy population screening.